The following is an entry in ClinVar:

ClinVar aggregate classification (germline): Uncertain significance. Review status: criteria provided, multiple submitters, no conflicts (2 of 4 stars). 2 submissions from 2 submitters: Uncertain significance (2). Last evaluated 2023-06-16.

Conditions:
Inborn genetic diseases. Identifiers: MedGen C0950123, MeSH D030342.
Immunodeficiency, common variable, 7. Identifiers: Orphanet 1572, Orphanet 696894, MedGen C3542922, MONDO:0013862, OMIM 614699.

Allele frequency attached by ClinVar (database versions not stated): gnomAD exomes below 0.00001; ExAC 0.00002.
gnomAD v4.1: 4 of 1,613,948 alleles (0.00025%); highest among the groups gnomAD compares: Admixed American, 0.0033%; no homozygotes.

Submissions (2):

Labcorp Genetics (formerly Invitae), Labcorp
Classification: Uncertain significance for Immunodeficiency, common variable, 7. Last evaluated: 2023-06-16. Review status: criteria provided, single submitter. Criteria: Invitae Variant Classification Sherloc (09022015). Collection method: clinical testing. Allele origin: germline.
Comment: In summary, the available evidence is currently insufficient to determine the role of this variant in disease. Therefore, it has been classified as a Variant of Uncertain Significance. Algorithms developed to predict the effect of missense changes on protein structure and function output the following: SIFT: "Not Available"; PolyPhen-2: "Probably Damaging"; Align-GVGD: "Not Available". The cysteine amino acid residue is found in multiple mammalian species, which suggests that this missense change does not adversely affect protein function. ClinVar contains an entry for this variant (Variation ID: 2390904). This variant has not been reported in the literature in individuals affected with CR2-related conditions. This variant is present in population databases (rs748373018, gnomAD 0.003%). This sequence change replaces tyrosine, which is neutral and polar, with cysteine, which is neutral and slightly polar, at codon 694 of the CR2 protein (p.Tyr694Cys).

Ambry Genetics
Classification: Uncertain significance for Inborn genetic diseases. Last evaluated: 2022-04-12. Review status: criteria provided, single submitter. Criteria: Ambry Variant Classification Scheme 2023. Collection method: clinical testing. Allele origin: germline.

NM_001006658.3(CR2):c.2081A>G (p.Tyr694Cys)

Gene: CR2 (complement C3d receptor 2; plus strand). Cytogenetic location: 1q32.2.
Variant type: single nucleotide variant.
Coding change: c.2081A>G on transcript NM_001006658.3 (MANE Select); coding-DNA position 2081, A replaced by G.
Protein change: p.Tyr694Cys; replaces tyrosine 694 with cysteine.
Molecular consequence: missense variant. On other transcripts: intron variant (1).
Genome position (GRCh38, 1-based): chr1:207,473,647, A>G. VCF-style: chr1-207473647-A-G. GRCh37 (hg19) VCF-style: chr1-207646992-A-G.
Other names: c.1979-154A>G (NM_001877.5); short protein forms Y694C.
Identifiers: ClinVar variation 2390904 (VCV002390904.3), dbSNP rs748373018, ClinGen allele CA1368875.